The following is an entry in ClinVar:

ClinVar aggregate classification (germline): Benign (1 of 4 stars; one submission).

Allele frequency attached by ClinVar (database versions not stated): 1000 Genomes Project 0.69169; TOPMed 0.72410; gnomAD exomes 0.74955; gnomAD 0.71867 and 0.71982; 1000 Genomes Project 30x 0.69519.
gnomAD v4.1: 733,470 of 984,732 alleles (74%); highest among the groups gnomAD compares: Middle Eastern, 81%; 273,682 homozygotes.

Submission:

GeneDx
Classification: Benign. Last evaluated: 2019-08-22. Review status: criteria provided, single submitter. Criteria: GeneDx Variant Classification Process June 2021. Collection method: clinical testing. Allele origin: germline. Affected: yes.
Comment: This variant is associated with the following publications: (PMID: 29955603)

NM_000677.3(ADORA3):c.-581G>A

Genes: ADORA3 (adenosine A3 receptor; minus strand), TMIGD3 (transmembrane and immunoglobulin domain containing 3; minus strand). Cytogenetic location: 1p13.2.
Variant type: single nucleotide variant.
Coding change: c.-581G>A on transcript NM_000677.3; 581 bases upstream of the start codon, G replaced by A.
Molecular consequence: intron variant (on NM_001302680.2).
Genome position (GRCh38, 1-based): chr1:111,503,935, C>T on the plus strand (G>A on the coding strand, the complement: ADORA3 is on the minus strand). VCF-style: chr1-111503935-C-T. GRCh37 (hg19) VCF-style: chr1-112046557-C-T.
Other names: c.108-15068G>A (NM_001302680.2); c.108-13173G>A (NM_001081976.3).
Identifiers: ClinVar variation 1243184 (VCV001243184.4), dbSNP rs1544223, ClinGen allele CA16064380.
Genomic context (GRCh38, chr1:111,503,935, plus strand): 5'-ATTCATTCAGGGACCAGAGGACAGTGCAGGATCAGGTGGGAGCAGAGCTGGAAGCACTGA[C>T]TATGCAATCTTTCTGCCAGCTTAGCAAAAAGATCTCATGATAAGGAGGCAAACGGGAGAA-3'